The following is an entry in ClinVar:

ClinVar aggregate classification (germline): Uncertain significance. Review status: criteria provided, multiple submitters, no conflicts (2 of 4 stars). 3 submissions from 3 submitters: Uncertain significance (3). Last evaluated 2025-10-02.

Conditions:
SIX2-related disorder. Also called: SIX2-related condition.

Allele frequency attached by ClinVar (database versions not stated): gnomAD exomes 0.00002; ESP Exome Variant Server 0.00008; ExAC 0.00002; gnomAD 0.00009; TOPMed 0.00010.
gnomAD v4.1: 50 of 1,613,876 alleles (0.0031%); highest among the groups gnomAD compares: Admixed American, 0.03%; no homozygotes.

Submissions (3):

Labcorp Genetics (formerly Invitae), Labcorp
Classification: Uncertain significance. Last evaluated: 2025-10-02. Review status: criteria provided, single submitter. Criteria: Invitae Variant Classification Sherloc (09022015). Collection method: clinical testing. Allele origin: germline.
Comment: This sequence change replaces proline, which is neutral and non-polar, with leucine, which is neutral and non-polar, at codon 235 of the SIX2 protein (p.Pro235Leu). This variant is present in population databases (rs143323460, gnomAD 0.02%). This variant has not been reported in the literature in individuals affected with SIX2-related conditions. ClinVar contains an entry for this variant (Variation ID: 2634456). An algorithm developed to predict the effect of missense changes on protein structure and function (PolyPhen-2) suggests that this variant is likely to be tolerated. In summary, the available evidence is currently insufficient to determine the role of this variant in disease. Therefore, it has been classified as a Variant of Uncertain Significance.

Ambry Genetics
Classification: Uncertain significance. Last evaluated: 2024-05-02. Review status: criteria provided, single submitter. Criteria: Ambry Variant Classification Scheme 2023. Collection method: clinical testing. Allele origin: germline.

PreventionGenetics, part of Exact Sciences
Classification: Uncertain significance for SIX2-related condition. Last evaluated: 2023-09-25. Review status: criteria provided, single submitter. Criteria: ACMG Guidelines, 2015. Collection method: clinical testing. Allele origin: germline.
Comment: The SIX2 c.704C>T variant is predicted to result in the amino acid substitution p.Pro235Leu. To our knowledge, this variant has not been reported in the literature. This variant is reported in 0.020% of alleles in individuals of Latino descent in gnomAD. Although we suspect that this variant may be benign, at this time, the clinical significance of this variant is uncertain due to the absence of conclusive functional and genetic evidence.

NM_016932.5(SIX2):c.704C>T (p.Pro235Leu)

Gene: SIX2 (SIX homeobox 2; minus strand). Cytogenetic location: 2p21.
Variant type: single nucleotide variant.
Coding change: c.704C>T on transcript NM_016932.5 (MANE Select); coding-DNA position 704, C replaced by T.
Protein change: p.Pro235Leu; replaces proline 235 with leucine.
Molecular consequence: missense variant.
Genome position (GRCh38, 1-based): chr2:45,006,342, G>A on the plus strand (C>T on the coding strand, the complement: SIX2 is on the minus strand). VCF-style: chr2-45006342-G-A. GRCh37 (hg19) VCF-style: chr2-45233481-G-A.
Other names: short protein forms P235L.
Identifiers: ClinVar variation 2634456 (VCV002634456.5), dbSNP rs143323460, ClinGen allele CA1642493.